The following is an entry in ClinVar:

ClinVar aggregate classification (germline): Pathogenic (1 of 4 stars; one submission).

Conditions:
Primary ciliary dyskinesia. Also called: Ciliary dyskinesia. Identifiers: Orphanet 244, MedGen C0008780, MONDO:0016575, HP:0012265.

Submission:

Labcorp Genetics (formerly Invitae), Labcorp
Classification: Pathogenic for Primary ciliary dyskinesia. Last evaluated: 2023-02-03. Review status: criteria provided, single submitter. Criteria: Invitae Variant Classification Sherloc (09022015). Collection method: clinical testing. Allele origin: germline.
Comment: This sequence change creates a premature translational stop signal (p.Asp534Metfs*6) in the DNAI2 gene. It is expected to result in an absent or disrupted protein product. Loss-of-function variants in DNAI2 are known to be pathogenic (PMID: 18950741, 23891469). For these reasons, this variant has been classified as Pathogenic. This variant has not been reported in the literature in individuals affected with DNAI2-related conditions. This variant is not present in population databases (gnomAD no frequency).

Literature cited by the submitters: PubMed 18950741; PubMed 23891469.

NM_023036.6(DNAI2):c.1600del (p.Asp534fs)

Gene: DNAI2 (dynein axonemal intermediate chain 2; plus strand). Cytogenetic location: 17q25.1.
Variant type: Deletion.
Coding change: c.1600del on transcript NM_023036.6 (MANE Select); coding-DNA position 1600, one base deleted (G; older notation c.1600delG).
Protein change: p.Asp534fs; shifts the reading frame from aspartic acid 534.
Molecular consequence: frameshift variant.
Genome position (GRCh38, 1-based): chr17:74,312,108, G deleted. VCF-style (leftmost placement, unchanged base first): chr17-74312107-CG-C. GRCh37 (hg19) VCF-style: chr17-72308246-CG-C.
Other names: c.1600del, p.Asp534fs (NM_001353167.2); c.1564del, p.Asp522fs (NM_001172810.3); short protein forms D522fs, D534fs.
Identifiers: ClinVar variation 2869056 (VCV002869056.3), dbSNP rs2509774436, ClinGen allele CA2739268358.